The following is an entry in ClinVar:

ClinVar aggregate classification (germline): Uncertain significance. Review status: criteria provided, multiple submitters, no conflicts (2 of 4 stars). 2 submissions from 2 submitters: Uncertain significance (2). Last evaluated 2025-06-20.

Conditions:
Neuroblastoma, susceptibility to, 3. Also called: ALK-Related Neuroblastic Tumor Susceptibility. Identifiers: Orphanet 635, MedGen C2751681, MONDO:0013083, OMIM 613014.
Hereditary cancer-predisposing syndrome. Also called: Neoplastic Syndromes, Hereditary; Tumor predisposition; Hereditary Cancer Syndrome; Hereditary neoplastic syndrome. Identifiers: Orphanet 140162, MedGen C0027672, MeSH D009386, MONDO:0015356.

Submissions (2):

Labcorp Genetics (formerly Invitae), Labcorp
Classification: Uncertain significance for Neuroblastoma, susceptibility to, 3. Last evaluated: 2025-06-20. Review status: criteria provided, single submitter. Criteria: Invitae Variant Classification Sherloc (09022015). Collection method: clinical testing. Allele origin: germline.
Comment: This sequence change replaces valine, which is neutral and non-polar, with leucine, which is neutral and non-polar, at codon 142 of the ALK protein (p.Val142Leu). This variant is not present in population databases (gnomAD no frequency). This variant has not been reported in the literature in individuals affected with ALK-related conditions. ClinVar contains an entry for this variant (Variation ID: 1739076). An algorithm developed to predict the effect of missense changes on protein structure and function (PolyPhen-2) suggests that this variant is likely to be disruptive. In summary, the available evidence is currently insufficient to determine the role of this variant in disease. Therefore, it has been classified as a Variant of Uncertain Significance.

Ambry Genetics
Classification: Uncertain significance for Hereditary cancer-predisposing syndrome. Last evaluated: 2022-03-03. Review status: criteria provided, single submitter. Criteria: Ambry Variant Classification Scheme 2023. Collection method: clinical testing. Allele origin: germline.
Comment: The p.V142L variant (also known as c.424G>C), located in coding exon 1 of the ALK gene, results from a G to C substitution at nucleotide position 424. The valine at codon 142 is replaced by leucine, an amino acid with highly similar properties. This amino acid position is conserved. In addition, the in silico prediction for this alteration is inconclusive. Since supporting evidence is limited at this time, the clinical significance of this alteration remains unclear.

NM_004304.5(ALK):c.424G>C (p.Val142Leu)

Gene: ALK (ALK receptor tyrosine kinase; minus strand). Cytogenetic location: 2p23.1.
Variant type: single nucleotide variant.
Coding change: c.424G>C on transcript NM_004304.5 (MANE Select); coding-DNA position 424, G replaced by C.
Protein change: p.Val142Leu; replaces valine 142 with leucine.
Molecular consequence: missense variant.
Genome position (GRCh38, 1-based): chr2:29,920,236, C>G on the plus strand (G>C on the coding strand, the complement: ALK is on the minus strand). VCF-style: chr2-29920236-C-G. GRCh37 (hg19) VCF-style: chr2-30143102-C-G.
Other names: short protein forms V142L.
Identifiers: ClinVar variation 1739076 (VCV001739076.3), dbSNP rs2465866108, ClinGen allele CA346590072.